The following is an entry in ClinVar:

ClinVar aggregate classification (germline): Uncertain significance. Review status: criteria provided, multiple submitters, no conflicts (2 of 4 stars). 4 submissions from 3 submitters: Uncertain significance (4). Last evaluated 2025-12-04.

Conditions:
Inborn genetic diseases. Identifiers: MedGen C0950123, MeSH D030342.
Achromatopsia. Also called: Rod monochromatism. Identifiers: Orphanet 49382, MedGen C0152200, MONDO:0018852, HP:0011516.
Cone dystrophy 4 (COD4). Identifiers: Orphanet 49382, MedGen C2751308, MONDO:0013129, OMIM 613093.

Allele frequency attached by ClinVar (database versions not stated): ExAC 0.00002; gnomAD exomes 0.00002 and 0.00003; gnomAD 0.00004; TOPMed 0.00004.
gnomAD v4.1: 42 of 1,613,986 alleles (0.0026%); highest among the groups gnomAD compares: African/African-American, 0.012%; no homozygotes.

Submissions (4):

Ambry Genetics
Classification: Uncertain significance for Inborn genetic diseases. Last evaluated: 2025-12-04. Review status: criteria provided, single submitter. Criteria: Ambry Variant Classification Scheme 2023. Collection method: clinical testing. Allele origin: germline.

Labcorp Genetics (formerly Invitae), Labcorp
Classification: Uncertain significance. Last evaluated: 2022-04-19. Review status: criteria provided, single submitter. Criteria: Invitae Variant Classification Sherloc (09022015). Collection method: clinical testing. Allele origin: germline.
Comment: This sequence change replaces arginine, which is basic and polar, with cysteine, which is neutral and slightly polar, at codon 95 of the PDE6C protein (p.Arg95Cys). This variant is present in population databases (rs757099539, gnomAD 0.01%). This variant has not been reported in the literature in individuals affected with PDE6C-related conditions. ClinVar contains an entry for this variant (Variation ID: 878955). Algorithms developed to predict the effect of missense changes on protein structure and function output the following: SIFT: "Tolerated"; PolyPhen-2: "Benign"; Align-GVGD: "Class C0". The cysteine amino acid residue is found in multiple mammalian species, which suggests that this missense change does not adversely affect protein function. In summary, the available evidence is currently insufficient to determine the role of this variant in disease. Therefore, it has been classified as a Variant of Uncertain Significance.

Illumina Laboratory Services, Illumina
Classification: Uncertain significance for Cone dystrophy 4. Last evaluated: 2018-01-13. Review status: criteria provided, single submitter. Criteria: ICSL Variant Classification Criteria 13 December 2019. Collection method: clinical testing. Allele origin: germline.

Illumina Laboratory Services, Illumina
Classification: Uncertain significance for Achromatopsia. Last evaluated: 2018-01-13. Review status: criteria provided, single submitter. Criteria: ICSL Variant Classification Criteria 13 December 2019. Collection method: clinical testing. Allele origin: germline.

NM_006204.4(PDE6C):c.283C>T (p.Arg95Cys)

Gene: PDE6C (phosphodiesterase 6C; plus strand). Cytogenetic location: 10q23.33.
Variant type: single nucleotide variant.
Coding change: c.283C>T on transcript NM_006204.4 (MANE Select); coding-DNA position 283, C replaced by T.
Protein change: p.Arg95Cys; replaces arginine 95 with cysteine.
Molecular consequence: missense variant.
Genome position (GRCh38, 1-based): chr10:93,613,008, C>T. VCF-style: chr10-93613008-C-T. GRCh37 (hg19) VCF-style: chr10-95372765-C-T.
Other names: short protein forms R95C.
Identifiers: ClinVar variation 878955 (VCV000878955.9), dbSNP rs757099539, ClinGen allele CA5609797.